The following is an entry in ClinVar:

NM_001943.5(DSG2):c.484G>A (p.Asp162Asn)

Gene: DSG2 (desmoglein 2; plus strand). Cytogenetic location: 18q12.1.
Variant type: single nucleotide variant.
Coding change: c.484G>A on transcript NM_001943.5 (MANE Select); coding-DNA position 484, G replaced by A.
Protein change: p.Asp162Asn; replaces aspartic acid 162 with asparagine.
Molecular consequence: missense variant.
Genome position (GRCh38, 1-based): chr18:31,521,204, G>A. VCF-style: chr18-31521204-G-A. GRCh37 (hg19) VCF-style: chr18-29101167-G-A.
Other names: short protein forms D162N.
Identifiers: ClinVar variation 2448372 (VCV002448372.2), dbSNP rs1028593181, ClinGen allele CA402132328.

ClinVar aggregate classification (germline): Uncertain significance (1 of 4 stars; one submission).

Conditions:
Cardiovascular phenotype. Identifiers: MedGen CN230736.

Allele frequency attached by ClinVar (database versions not stated): TOPMed 0.00001.
gnomAD v4.1: 2 of 1,613,344 alleles (0.00012%); highest among the groups gnomAD compares: Non-Finnish European, 0.000085%; no homozygotes.

Submission:

Ambry Genetics
Classification: Uncertain significance for Cardiovascular phenotype. Last evaluated: 2022-12-16. Review status: criteria provided, single submitter. Criteria: Ambry Variant Classification Scheme 2023. Collection method: clinical testing. Allele origin: germline.
Comment: The p.D162N variant (also known as c.484G>A), located in coding exon 5 of the DSG2 gene, results from a G to A substitution at nucleotide position 484. The aspartic acid at codon 162 is replaced by asparagine, an amino acid with highly similar properties. This amino acid position is conserved. In addition, this alteration is predicted to be tolerated by in silico analysis. Since supporting evidence is limited at this time, the clinical significance of this alteration remains unclear.